The following is an entry in ClinVar:

ClinVar aggregate classification (germline): Uncertain significance. Review status: criteria provided, multiple submitters, no conflicts (2 of 4 stars). 3 submissions from 3 submitters: Uncertain significance (3). Last evaluated 2026-02-25.

Conditions:
Hereditary cancer-predisposing syndrome. Also called: Hereditary neoplastic syndrome; Tumor predisposition; Neoplastic Syndromes, Hereditary; Hereditary Cancer Syndrome. Identifiers: Orphanet 140162, MedGen C0027672, MeSH D009386, MONDO:0015356.

Submissions (3):

Ambry Genetics
Classification: Uncertain significance for Hereditary cancer-predisposing syndrome. Last evaluated: 2026-02-25. Review status: criteria provided, single submitter. Criteria: Ambry Variant Classification Scheme 2023. Collection method: clinical testing. Allele origin: germline.
Comment: The c.3459+4delA intronic variant, located in intron 28 of the POLE gene, results from a deletion of one nucleotide within intron 28 of the POLE gene. This nucleotide position is well conserved in available vertebrate species. In silico splice site analysis predicts that this alteration will not have any significant effect on splicing. Based on the available evidence, the clinical significance of this variant remains unclear.

Labcorp Genetics (formerly Invitae), Labcorp
Classification: Uncertain significance. Last evaluated: 2025-12-06. Review status: criteria provided, single submitter. Criteria: Invitae Variant Classification Sherloc (09022015). Collection method: clinical testing. Allele origin: germline.
Comment: This sequence change falls in intron 28 of the POLE gene. It does not directly change the encoded amino acid sequence of the POLE protein. It affects a nucleotide within the consensus splice site. This variant is not present in population databases (gnomAD no frequency). This variant has not been reported in the literature in individuals affected with POLE-related conditions. ClinVar contains an entry for this variant (Variation ID: 1312544). Variants that disrupt the consensus splice site are a relatively common cause of aberrant splicing (PMID: 17576681, 9536098). Algorithms developed to predict the effect of sequence changes on RNA splicing suggest that this variant is not likely to affect RNA splicing. In summary, the available evidence is currently insufficient to determine the role of this variant in disease. Therefore, it has been classified as a Variant of Uncertain Significance.

GeneDx
Classification: Uncertain significance. Last evaluated: 2020-03-04. Review status: criteria provided, single submitter. Criteria: GeneDx Variant Classification Process June 2021. Collection method: clinical testing. Allele origin: germline. Affected: yes.
Comment: Not observed in large population cohorts (Lek 2016); In silico analysis supports that this variant does not alter splicing; Has not been previously published as pathogenic or benign to our knowledge

Literature cited by the submitters: PubMed 17576681 (cited by Labcorp Genetics (formerly Invitae), Labcorp); PubMed 9536098 (cited by Labcorp Genetics (formerly Invitae), Labcorp).

NM_006231.4(POLE):c.3459+4del

Gene: POLE (DNA polymerase epsilon, catalytic subunit; minus strand). Cytogenetic location: 12q24.33.
Variant type: Deletion.
Coding change: c.3459+4del on transcript NM_006231.4 (MANE Select); 4 bases into the intron after coding-DNA position 3459, one base deleted (A; older notation c.3459+4delA).
Molecular consequence: intron variant.
Genome position (GRCh38, 1-based): chr12:132,657,345, T deleted on the plus strand (A on the coding strand, the reverse complement: POLE is on the minus strand); the first of 2 consecutive T bases (chr12:132,657,345-132,657,346); deleting either gives the same sequence. VCF-style (leftmost placement, unchanged base first): chr12-132657344-CT-C. GRCh37 (hg19) VCF-style: chr12-133233930-CT-C.
Other names: c.3459+4delA (NM_006231.2).
Identifiers: ClinVar variation 1312544 (VCV001312544.7), dbSNP rs1259885948, ClinGen allele CA685549523.